The following is an entry in ClinVar:

ClinVar aggregate classification (germline): Uncertain significance (1 of 4 stars; one submission).

Conditions:
Hereditary spastic paraplegia 11. Also called: Spastic paraplegia, mental retardation and thin corpus callosum; Nakamura Osame syndrome; Autosomal recessive hereditary spastic paraplegia, mental impairment, and thin corpus callosum; SPASTIC PARAPLEGIA, AUTOSOMAL RECESSIVE, COMPLICATED, WITH THIN CORPUS CALLOSUM; SPASTIC PARAPLEGIA, AUTOSOMAL RECESSIVE, WITH MENTAL IMPAIRMENT AND THIN CORPUS CALLOSUM; Spastic Paraplegia 11. Identifiers: Orphanet 2822, MedGen C1858479, MONDO:0011445, OMIM 604360.

Allele frequency attached by ClinVar (database versions not stated): ExAC 0.00001; TOPMed 0.00001.
gnomAD v4.1: 1 of 1,613,942 alleles (0.000062%); highest among the groups gnomAD compares: Admixed American, 0.0017%; no homozygotes.

Submission:

Labcorp Genetics (formerly Invitae), Labcorp
Classification: Uncertain significance for Hereditary spastic paraplegia 11. Last evaluated: 2021-12-18. Review status: criteria provided, single submitter. Criteria: Invitae Variant Classification Sherloc (09022015). Collection method: clinical testing. Allele origin: germline.
Comment: This sequence change replaces arginine, which is basic and polar, with serine, which is neutral and polar, at codon 93 of the SPG11 protein (p.Arg93Ser). This variant is present in population databases (rs764731214, gnomAD 0.003%). This variant has not been reported in the literature in individuals affected with SPG11-related conditions. Algorithms developed to predict the effect of missense changes on protein structure and function (SIFT, PolyPhen-2, Align-GVGD) all suggest that this variant is likely to be tolerated. In summary, the available evidence is currently insufficient to determine the role of this variant in disease. Therefore, it has been classified as a Variant of Uncertain Significance.

NM_025137.4(SPG11):c.277C>A (p.Arg93Ser)

Gene: SPG11 (SPG11 vesicle trafficking associated, spatacsin; minus strand). Cytogenetic location: 15q21.1.
Variant type: single nucleotide variant.
Coding change: c.277C>A on transcript NM_025137.4 (MANE Select); coding-DNA position 277, C replaced by A.
Protein change: p.Arg93Ser; replaces arginine 93 with serine.
Molecular consequence: missense variant.
Genome position (GRCh38, 1-based): chr15:44,660,597, G>T on the plus strand (C>A on the coding strand, the complement: SPG11 is on the minus strand). VCF-style: chr15-44660597-G-T. GRCh37 (hg19) VCF-style: chr15-44952795-G-T.
Other names: c.277C>A, p.Arg93Ser (NM_001160227.2, NM_001411132.1); short protein forms R93S.
Identifiers: ClinVar variation 1921784 (VCV001921784.2), dbSNP rs764731214, ClinGen allele CA7535880.